The following is an entry in ClinVar:

ClinVar aggregate classification (germline): Uncertain significance. Review status: criteria provided, multiple submitters, no conflicts (2 of 4 stars). 2 submissions from 2 submitters: Uncertain significance (2). Last evaluated 2024-11-06.

Allele frequency attached by ClinVar (database versions not stated): gnomAD exomes below 0.00001; gnomAD 0.00001; TOPMed 0.00001.
gnomAD v4.1: 7 of 1,562,446 alleles (0.00045%); highest among the groups gnomAD compares: African/African-American, 0.0014%; no homozygotes.

Submissions (2):

Labcorp Genetics (formerly Invitae), Labcorp
Classification: Uncertain significance. Last evaluated: 2024-11-06. Review status: criteria provided, single submitter. Criteria: Invitae Variant Classification Sherloc (09022015). Collection method: clinical testing. Allele origin: germline.
Comment: This sequence change replaces arginine, which is basic and polar, with glutamine, which is neutral and polar, at codon 322 of the WNT3A protein (p.Arg322Gln). This variant is not present in population databases (gnomAD no frequency). This variant has not been reported in the literature in individuals affected with WNT3A-related conditions. ClinVar contains an entry for this variant (Variation ID: 2315354). Invitae Evidence Modeling of protein sequence and biophysical properties (such as structural, functional, and spatial information, amino acid conservation, physicochemical variation, residue mobility, and thermodynamic stability) indicates that this missense variant is not expected to disrupt WNT3A protein function with a negative predictive value of 80%. In summary, the available evidence is currently insufficient to determine the role of this variant in disease. Therefore, it has been classified as a Variant of Uncertain Significance.

Ambry Genetics
Classification: Uncertain significance. Last evaluated: 2022-10-03. Review status: criteria provided, single submitter. Criteria: Ambry Variant Classification Scheme 2023. Collection method: clinical testing. Allele origin: germline.

NM_033131.4(WNT3A):c.965G>A (p.Arg322Gln)

Gene: WNT3A (Wnt family member 3A; plus strand). Cytogenetic location: 1q42.13.
Variant type: single nucleotide variant.
Coding change: c.965G>A on transcript NM_033131.4 (MANE Select); coding-DNA position 965, G replaced by A.
Protein change: p.Arg322Gln; replaces arginine 322 with glutamine.
Molecular consequence: missense variant.
Genome position (GRCh38, 1-based): chr1:228,059,371, G>A. VCF-style: chr1-228059371-G-A. GRCh37 (hg19) VCF-style: chr1-228247072-G-A.
Other names: short protein forms R322Q.
Identifiers: ClinVar variation 2315354 (VCV002315354.4), dbSNP rs1211326543, ClinGen allele CA345337297.